The following is an entry in ClinVar:

ClinVar aggregate classification (germline): Uncertain significance (0 of 4 stars; one submission).

Submission:

Martin Pollak Laboratory,  Beth Israel Deaconess Medical Center
Classification: Uncertain significance. Review status: no assertion criteria provided. Collection method: not provided. Allele origin: unknown.
Comment: Higher UCa2+ group
ClinVar note: Converted during submission from unknown to Uncertain significance.

NM_022042.4(SLC26A1):c.1406C>T (p.Ala469Val)

Genes: IDUA (alpha-L-iduronidase; plus strand), SLC26A1 (solute carrier family 26 member 1; minus strand). Cytogenetic location: 4p16.3.
Variant type: single nucleotide variant.
Coding change: c.1406C>T on transcript NM_022042.4 (MANE Select); coding-DNA position 1406, C replaced by T.
Protein change: p.Ala469Val; replaces alanine 469 with valine.
Molecular consequence: missense variant. On other transcripts: intron variant (2).
Genome position (GRCh38, 1-based): chr4:989,533, G>A on the plus strand (C>T on the coding strand, the complement: SLC26A1 is on the minus strand). VCF-style: chr4-989533-G-A. GRCh37 (hg19) VCF-style: chr4-983321-G-A.
Other names: c.1406C>T, p.Ala469Val (NM_213613.4); c.576+1595C>T (NM_134425.4); c.299+1584G>A (NM_000203.5); short protein forms A469V.
Identifiers: ClinVar variation 64579 (VCV000064579.2), dbSNP rs387907480, ClinGen allele CA216441.